The following is an entry in ClinVar:

NM_022039.4(FBXW4):c.961G>A (p.Val321Ile)

Gene: FBXW4 (F-box and WD repeat domain containing 4; minus strand). Cytogenetic location: 10q24.32.
Variant type: single nucleotide variant.
Coding change: c.961G>A on transcript NM_022039.4 (MANE Select); coding-DNA position 961, G replaced by A.
Protein change: p.Val321Ile; replaces valine 321 with isoleucine.
Molecular consequence: missense variant. On other transcripts: non-coding transcript variant (1).
Genome position (GRCh38, 1-based): chr10:101,673,534, C>T on the plus strand (G>A on the coding strand, the complement: FBXW4 is on the minus strand). VCF-style: chr10-101673534-C-T. GRCh37 (hg19) VCF-style: chr10-103433291-C-T.
Other names: c.235G>A, p.Val79Ile (NM_001323541.2); short protein forms V321I, V79I.
Identifiers: ClinVar variation 2075861 (VCV002075861.4), dbSNP rs150456583, ClinGen allele CA5657397.

ClinVar aggregate classification (germline): Uncertain significance (1 of 4 stars; one submission).

Allele frequency attached by ClinVar (database versions not stated): ExAC 0.00007; gnomAD 0.00027; ESP Exome Variant Server 0.00008; 1000 Genomes Project 0.00060; TOPMed 0.00054; 1000 Genomes Project 30x 0.00078.
gnomAD v4.1: 85 of 1,613,964 alleles (0.0053%); highest among the groups gnomAD compares: Admixed American, 0.095%; 1 homozygote.

Submission:

Labcorp Genetics (formerly Invitae), Labcorp
Classification: Uncertain significance. Last evaluated: 2023-08-07. Review status: criteria provided, single submitter. Criteria: Invitae Variant Classification Sherloc (09022015). Collection method: clinical testing. Allele origin: germline.
Comment: This sequence change replaces valine, which is neutral and non-polar, with isoleucine, which is neutral and non-polar, at codon 166 of the FBXW4 protein (p.Val166Ile). This variant is present in population databases (rs150456583, gnomAD 0.01%). This variant has not been reported in the literature in individuals affected with FBXW4-related conditions. ClinVar contains an entry for this variant (Variation ID: 2075861). An algorithm developed to predict the effect of missense changes on protein structure and function (PolyPhen-2) suggests that this variant is likely to be tolerated. In summary, the available evidence is currently insufficient to determine the role of this variant in disease. Therefore, it has been classified as a Variant of Uncertain Significance.